The following is an entry in ClinVar:

ClinVar aggregate classification (germline): Likely pathogenic (1 of 4 stars; one submission).

Submission:

Labcorp Genetics (formerly Invitae), Labcorp
Classification: Likely pathogenic. Last evaluated: 2022-11-29. Review status: criteria provided, single submitter. Criteria: Invitae Variant Classification Sherloc (09022015). Collection method: clinical testing. Allele origin: germline.
Comment: In summary, the currently available evidence indicates that the variant is pathogenic, but additional data are needed to prove that conclusively. Therefore, this variant has been classified as Likely Pathogenic. This variant disrupts the p.Asp156 amino acid residue in MUT. Other variant(s) that disrupt this residue have been observed in individuals with MUT-related conditions (PMID: 27167370, 33413471), which suggests that this may be a clinically significant amino acid residue. Advanced modeling of protein sequence and biophysical properties (such as structural, functional, and spatial information, amino acid conservation, physicochemical variation, residue mobility, and thermodynamic stability) performed at Invitae indicates that this missense variant is expected to disrupt MUT protein function. This missense change has been observed in individual(s) with methylmalonic aciduria (PMID: 11161845). This variant is not present in population databases (gnomAD no frequency). This sequence change replaces aspartic acid, which is acidic and polar, with asparagine, which is neutral and polar, at codon 156 of the MUT protein (p.Asp156Asn).

Literature cited by the submitters: PubMed 27167370; PubMed 33413471; PubMed 11161845.

NM_000255.4(MMUT):c.466G>A (p.Asp156Asn)

Gene: MMUT (methylmalonyl-CoA mutase; minus strand). Cytogenetic location: 6p12.3.
Variant type: single nucleotide variant.
Coding change: c.466G>A on transcript NM_000255.4 (MANE Select); coding-DNA position 466, G replaced by A.
Protein change: p.Asp156Asn; replaces aspartic acid 156 with asparagine.
Molecular consequence: missense variant.
Genome position (GRCh38, 1-based): chr6:49,457,978, C>T on the plus strand (G>A on the coding strand, the complement: MMUT is on the minus strand). VCF-style: chr6-49457978-C-T. GRCh37 (hg19) VCF-style: chr6-49425691-C-T.
Other names: short protein forms D156N.
Identifiers: ClinVar variation 2734897 (VCV002734897.3), dbSNP rs2481347532, ClinGen allele CA364404673.